The following is an entry in ClinVar:

NC_000006.11:g.(?_3113267)_(3113573_?)dup

Gene: RIPK1 (receptor interacting serine/threonine kinase 1; plus strand). Cytogenetic location: 6p25.2.
Variant type: Duplication.
Identifiers: ClinVar variation 1443542 (VCV001443542.5).

ClinVar aggregate classification (germline): Uncertain significance (1 of 4 stars; one submission).

Submission:

Labcorp Genetics (formerly Invitae), Labcorp
Classification: Uncertain significance. Last evaluated: 2022-07-05. Review status: criteria provided, single submitter. Criteria: Invitae Variant Classification Sherloc (09022015). Collection method: clinical testing. Allele origin: germline.
Comment: In summary, the available evidence is currently insufficient to determine the role of this variant in disease. Therefore, it has been classified as a Variant of Uncertain Significance. This variant has not been reported in the literature in individuals affected with RIPK1-related conditions. This variant results in a copy number gain of the genomic region encompassing exon(s) 11 of the RIPK1 gene. This region includes the termination codon of the gene. This copy number gain extends beyond the assayed region for this gene and therefore may encompass additional genes. As the precise location of this event is unknown, it may be in tandem or it may be located elsewhere in the genome.